The following is an entry in ClinVar:

ClinVar aggregate classification (germline): Uncertain significance (1 of 4 stars; one submission).

Submission:

Women's Health and Genetics/Laboratory Corporation of America, LabCorp
Classification: Uncertain significance. Last evaluated: 2024-11-01. Review status: criteria provided, single submitter. Criteria: LabCorp Variant Classification Summary - May 2015. Collection method: clinical testing. Allele origin: germline.
Comment: Variant summary: ORAI1 c.423G>A (p.Met141Ile) results in a conservative amino acid change in the encoded protein sequence. Two of four in-silico tools predict a benign effect of the variant on protein function. The variant was absent in 251064 control chromosomes. The available data on variant occurrences in the general population are insufficient to allow any conclusion about variant significance. To our knowledge, no occurrence of c.423G>A in individuals affected with Myopathy, Tubular Aggregate, 2 and no experimental evidence demonstrating its impact on protein function have been reported. No submitters have cited clinical-significance assessments for this variant to ClinVar. Based on the evidence outlined above, the variant was classified as uncertain significance.

NM_032790.3(ORAI1):c.417G>A

Gene: ORAI1 (ORAI calcium release-activated calcium modulator 1; plus strand). Cytogenetic location: 12q24.31.
Variant type: single nucleotide variant.
Coding change: c.417G>A on transcript NM_032790.3; coding-DNA position 417, G replaced by A.
Molecular consequence: non-coding transcript variant (on NR_186857.1).
Genome position (GRCh38, 1-based): chr12:121,641,154, G>A. VCF-style: chr12-121641154-G-A. GRCh37 (hg19) VCF-style: chr12-122079060-G-A.
Identifiers: ClinVar variation 3629891 (VCV003629891.1).